The following is an entry in ClinVar:

ClinVar aggregate classification (germline): Pathogenic (1 of 4 stars; one submission).

Submission:

Labcorp Genetics (formerly Invitae), Labcorp
Classification: Pathogenic. Last evaluated: 2021-09-19. Review status: criteria provided, single submitter. Criteria: Invitae Variant Classification Sherloc (09022015). Collection method: clinical testing. Allele origin: germline.
Comment: This sequence change creates a premature translational stop signal (p.Asp172Alafs*74) in the HJV gene. While this is not anticipated to result in nonsense mediated decay, it is expected to disrupt the last 255 amino acid(s) of the HJV protein. This variant is not present in population databases (ExAC no frequency). This variant has not been reported in the literature in individuals affected with HJV-related conditions. This variant disrupts a region of the HJV protein in which other variant(s) (p.Gly336*) have been determined to be pathogenic (PMID: 14982873, 19342478, 30195625). This suggests that this is a clinically significant region of the protein, and that variants that disrupt it are likely to be disease-causing. For these reasons, this variant has been classified as Pathogenic.

Literature cited by the submitters: PubMed 14982873; PubMed 19342478; PubMed 30195625.

NM_213653.4(HJV):c.515del (p.Asp172fs)

Gene: HJV (hemojuvelin BMP co-receptor; minus strand). Cytogenetic location: 1q21.1.
Variant type: Deletion.
Coding change: c.515del on transcript NM_213653.4 (MANE Select); coding-DNA position 515, one base deleted (A; older notation c.515delA).
Protein change: p.Asp172fs; shifts the reading frame from aspartic acid 172.
Molecular consequence: frameshift variant. On other transcripts: intron variant (3).
Genome position (GRCh38, 1-based): chr1:146,019,317, T deleted on the plus strand (A on the coding strand, the reverse complement: HJV is on the minus strand). VCF-style (leftmost placement, unchanged base first): chr1-146019316-GT-G. GRCh37 (hg19) VCF-style: chr1-145415695-GA-G.
Other names: c.515del, p.Asp172fs (NM_001379352.1); c.176del, p.Asp59fs (NM_145277.5); c.-21-617del (NM_213652.4); c.-22+381del (NM_202004.4, NM_001316767.2); short protein forms D59fs, D172fs.
Identifiers: ClinVar variation 1452535 (VCV001452535.6), dbSNP rs2101984343, ClinGen allele CA2573131056.